The following is an entry in ClinVar:

ClinVar aggregate classification (germline): Pathogenic (1 of 4 stars; one submission).

Conditions:
PRPH2-related disorder. Also called: PRPH2-related condition; PRPH2-related disorders. Identifiers: MedGen CN239395.

Submission:

Labcorp Genetics (formerly Invitae), Labcorp
Classification: Pathogenic for PRPH2-related disorder. Last evaluated: 2019-09-19. Review status: criteria provided, single submitter. Criteria: Invitae Variant Classification Sherloc (09022015). Collection method: clinical testing. Allele origin: germline.
Comment: For these reasons, this variant has been classified as Pathogenic. Loss-of-function variants in PRPH2 are known to be pathogenic (PMID: 8111389, 8485576, 8675410, 16916875, 17504850, 25675413, 26061163, 27365499, 29555955). This variant has not been reported in the literature in individuals with PRPH2-related conditions. This variant is not present in population databases (ExAC no frequency). This sequence change creates a premature translational stop signal (p.Arg195Glnfs*21) in the PRPH2 gene. It is expected to result in an absent or disrupted protein product.

Literature cited by the submitters: PubMed 8111389; PubMed 8485576; PubMed 8675410; PubMed 16916875; PubMed 17504850; PubMed 25675413; PubMed 26061163; PubMed 27365499; PubMed 29555955.

NM_000322.5(PRPH2):c.584_588del (p.Arg195fs)

Gene: PRPH2 (peripherin 2; minus strand). Cytogenetic location: 6p21.1.
Variant type: Deletion.
Coding change: c.584_588del on transcript NM_000322.5 (MANE Select); coding-DNA positions 584 to 588, 5 bases deleted (GAATC; older notation c.584_588delGAATC).
Protein change: p.Arg195fs; shifts the reading frame from arginine 195.
Molecular consequence: frameshift variant.
Genome position (GRCh38, 1-based): chr6:42,704,605-42,704,609, GATTC deleted on the plus strand (GAATC on the coding strand, the reverse complement: PRPH2 is on the minus strand); deleting any 5 consecutive bases within chr6:42,704,605-42,704,611 gives the same sequence; the c. name uses the placement nearest the transcript's 3' end. VCF-style (leftmost placement, unchanged base first): chr6-42704604-TGATTC-T. GRCh37 (hg19) VCF-style: chr6-42672342-TGATTC-T.
Other names: short protein forms R195fs.
Identifiers: ClinVar variation 937865 (VCV000937865.7), dbSNP rs1800118432, ClinGen allele CA1139659523.